The following is an entry in ClinVar:

NM_005901.6(SMAD2):c.730+10del

Gene: SMAD2 (SMAD family member 2; minus strand). Cytogenetic location: 18q21.1.
Variant type: Deletion.
Coding change: c.730+10del on transcript NM_005901.6 (MANE Select); 10 bases into the intron after coding-DNA position 730, one base deleted (A; older notation c.730+10delA).
Molecular consequence: intron variant.
Genome position (GRCh38, 1-based): chr18:47,865,049, T deleted on the plus strand (A on the coding strand, the reverse complement: SMAD2 is on the minus strand); the first of 8 consecutive T bases (chr18:47,865,049-47,865,056); deleting any one gives the same sequence. VCF-style (leftmost placement, unchanged base first): chr18-47865048-AT-A. GRCh37 (hg19) VCF-style: chr18-45391419-AT-A.
Other names: c.640+10del (NM_001135937.3); c.730+10del (NM_001003652.4); c.730+10delA (NM_005901.5).
Identifiers: ClinVar variation 1591136 (VCV001591136.10), dbSNP rs149135973, ClinGen allele CA8956184.

ClinVar aggregate classification (germline): Benign. Review status: criteria provided, single submitter (1 of 4 stars). 2 submissions from 2 submitters: Benign (1). 1 of the submissions does not count toward it. Last evaluated 2021-04-12.

Conditions:
SMAD2-related disorder. Also called: SMAD2-related disorders; SMAD2-related condition.

Submissions (2):

Labcorp Genetics (formerly Invitae), Labcorp
Classification: Benign. Last evaluated: 2021-04-12. Review status: criteria provided, single submitter. Criteria: Invitae Variant Classification Sherloc (09022015). Collection method: clinical testing. Allele origin: germline.

PreventionGenetics, part of Exact Sciences
Classification: Likely benign for SMAD2-related condition. Last evaluated: 2019-07-12. Review status: no assertion criteria provided. Collection method: clinical testing. Allele origin: germline. Not counted in ClinVar's aggregate classification.
Comment: This variant is classified as likely benign based on ACMG/AMP sequence variant interpretation guidelines (Richards et al. 2015 PMID: 25741868, with internal and published modifications).